The following is an entry in ClinVar:

NM_000051.4(ATM):c.6899G>A (p.Trp2300Ter)

Genes: ATM (ATM serine/threonine kinase; plus strand), C11orf65 (chromosome 11 open reading frame 65; minus strand). Cytogenetic location: 11q22.3.
Variant type: single nucleotide variant.
Coding change: c.6899G>A on transcript NM_000051.4 (MANE Select); coding-DNA position 6899, G replaced by A.
Protein change: p.Trp2300Ter; replaces tryptophan 2300 with a stop codon.
Molecular consequence: nonsense. On other transcripts: intron variant (2).
Genome position (GRCh38, 1-based): chr11:108,326,149, G>A. VCF-style: chr11-108326149-G-A. GRCh37 (hg19) VCF-style: chr11-108196876-G-A.
Other names: c.6899G>A, p.Trp2300Ter (NM_001351834.2); c.641-17078C>T (NM_001330368.2); c.*38+9071C>T (NM_001351110.2); short protein forms W2300*.
Identifiers: ClinVar variation 2582244 (VCV002582244.6), dbSNP rs1555119899, ClinGen allele CA382556953.

ClinVar aggregate classification (germline): Pathogenic/Likely pathogenic. Review status: criteria provided, multiple submitters, no conflicts (2 of 4 stars). 4 submissions from 4 submitters: Pathogenic (1); Likely pathogenic (2). 1 of the submissions does not count toward it. Last evaluated 2025-10-20.

Conditions:
Familial cancer of breast. Also called: BREAST CANCER, FAMILIAL; Hereditary breast cancer; hereditary breast carcinoma. Identifiers: Orphanet 227535, MedGen C0346153, MONDO:0016419, OMIM 114480. Disease mechanism: loss of function.
Malignant tumor of urinary bladder. Also called: Bladder cancer; Urinary bladder cancer; Urinary Bladder Neoplasms. Identifiers: MedGen C0005684, MONDO:0001187, OMIM 109800.
Ataxia-telangiectasia syndrome (AT). Also called: LOUIS-BAR SYNDROME; Cerebello-oculocutaneous telangiectasia; Immunodeficiency with ataxia telangiectasia; Ataxia-telangiectasia, complementation group E; Ataxia-telangiectasia, complementation group D; AT, COMPLEMENTATION GROUP C. Identifiers: Orphanet 100, MedGen C0004135, MONDO:0008840, OMIM 208900.

Submissions (4):

Labcorp Genetics (formerly Invitae), Labcorp
Classification: Pathogenic for Ataxia-telangiectasia syndrome. Last evaluated: 2025-10-20. Review status: criteria provided, single submitter. Criteria: Invitae Variant Classification Sherloc (09022015). Collection method: clinical testing. Allele origin: germline.
Comment: This sequence change creates a premature translational stop signal (p.Trp2300*) in the ATM gene. It is expected to result in an absent or disrupted protein product. Loss-of-function variants in ATM are known to be pathogenic (PMID: 23807571, 25614872). This variant is not present in population databases (gnomAD no frequency). This variant has not been reported in the literature in individuals affected with ATM-related conditions. ClinVar contains an entry for this variant (Variation ID: 2582244). Algorithms developed to predict the effect of sequence changes on RNA splicing suggest that this variant may disrupt the consensus splice site. For these reasons, this variant has been classified as Pathogenic.

Baylor Genetics
Classification: Likely pathogenic for Familial cancer of breast. Last evaluated: 2023-07-01. Review status: criteria provided, single submitter. Criteria: ACMG Guidelines, 2015. Collection method: clinical testing. Allele origin: unknown.

Juno Genomics, Hangzhou Juno Genomics, Inc
Classification: Likely pathogenic for Familial cancer of breast; Ataxia-telangiectasia syndrome. Review status: criteria provided, single submitter. Criteria: ACMG Guidelines, 2015. Collection method: clinical testing. Allele origin: germline.
Comment: Absent from controls (or at extremely low frequency if recessive) in Genome Aggregation Database.;Null variant in a gene where loss of function (LOF) is a known mechanism of disease.

Laboratory of Urology, Hospital Clinic de Barcelona
Classification: Pathogenic for Malignant tumor of urinary bladder. Review status: no assertion criteria provided. Collection method: research. Allele origin: somatic. Affected: yes. Not counted in ClinVar's aggregate classification.

Literature cited by the submitters: PubMed 23807571 (cited by Labcorp Genetics (formerly Invitae), Labcorp); PubMed 25614872 (cited by Labcorp Genetics (formerly Invitae), Labcorp).